The following is an entry in ClinVar:

NM_006662.3(SRCAP):c.7250C>T (p.Ala2417Val)

Gene: SRCAP (Snf2 related CREBBP activator protein; plus strand). Cytogenetic location: 16p11.2.
Variant type: single nucleotide variant.
Coding change: c.7250C>T on transcript NM_006662.3 (MANE Select); coding-DNA position 7250, C replaced by T.
Protein change: p.Ala2417Val; replaces alanine 2417 with valine.
Molecular consequence: missense variant.
Genome position (GRCh38, 1-based): chr16:30,737,290, C>T. VCF-style: chr16-30737290-C-T. GRCh37 (hg19) VCF-style: chr16-30748611-C-T.
Other names: short protein forms A2417V.
Identifiers: ClinVar variation 1467553 (VCV001467553.6), dbSNP rs762890012, ClinGen allele CA8012446.

ClinVar aggregate classification (germline): Uncertain significance (1 of 4 stars; one submission).

Allele frequency attached by ClinVar (database versions not stated): gnomAD 0.00001; gnomAD exomes 0.00001 and 0.00002; TOPMed 0.00001; ExAC 0.00002.

Submission:

Labcorp Genetics (formerly Invitae), Labcorp
Classification: Uncertain significance. Last evaluated: 2025-06-24. Review status: criteria provided, single submitter. Criteria: Invitae Variant Classification Sherloc (09022015). Collection method: clinical testing. Allele origin: germline.
Comment: This sequence change replaces alanine, which is neutral and non-polar, with valine, which is neutral and non-polar, at codon 2417 of the SRCAP protein (p.Ala2417Val). This variant is present in population databases (rs762890012, gnomAD 0.01%). This variant has not been reported in the literature in individuals affected with SRCAP-related conditions. ClinVar contains an entry for this variant (Variation ID: 1467553). Invitae Evidence Modeling of protein sequence and biophysical properties (such as structural, functional, and spatial information, amino acid conservation, physicochemical variation, residue mobility, and thermodynamic stability) indicates that this missense variant is not expected to disrupt SRCAP protein function with a negative predictive value of 80%. In summary, the available evidence is currently insufficient to determine the role of this variant in disease. Therefore, it has been classified as a Variant of Uncertain Significance.